The following is an entry in ClinVar:

NM_007294.4(BRCA1):c.2767G>A (p.Val923Ile)

Gene: BRCA1 (BRCA1 DNA repair associated; minus strand). Cytogenetic location: 17q21.31.
Variant type: single nucleotide variant.
Coding change: c.2767G>A on transcript NM_007294.4 (MANE Select); coding-DNA position 2767, G replaced by A.
Protein change: p.Val923Ile; replaces valine 923 with isoleucine.
Molecular consequence: missense variant. On other transcripts: intron variant (137).
Genome position (GRCh38, 1-based): chr17:43,092,764, C>T on the plus strand (G>A on the coding strand, the complement: BRCA1 is on the minus strand). VCF-style: chr17-43092764-C-T. GRCh37 (hg19) VCF-style: chr17-41244781-C-T.
Other names: c.2554G>A, p.Val852Ile (NM_001407571.1, NM_001407853.1, NM_001407894.1 and 9 more transcripts); c.2767G>A, p.Val923Ile (NM_001407581.1, NM_001407582.1, NM_001407583.1 and 30 more transcripts); c.2764G>A, p.Val922Ile (NM_001407587.1, NM_001407590.1, NM_001407591.1 and 22 more transcripts); c.2758G>A, p.Val920Ile (NM_001407646.1, NM_001407647.1); c.2644G>A, p.Val882Ile (NM_001407648.1, NM_001407664.1, NM_001407665.1 and 19 more transcripts); c.2641G>A, p.Val881Ile (NM_001407649.1, NM_001407670.1, NM_001407671.1 and 11 more transcripts); c.2689G>A, p.Val897Ile (NM_001407653.1, NM_001407654.1, NM_001407655.1 and 4 more transcripts); c.2686G>A, p.Val896Ile (NM_001407659.1, NM_001407660.1, NM_001407661.1 and 1 more transcripts); and 41 more; short protein forms V876I, V923I, V795I, V796I, V835I, V852I, V922I, V627I.
Identifiers: ClinVar variation 1426644 (VCV001426644.11), dbSNP rs1324340897, ClinGen allele CA10596460.

ClinVar aggregate classification (germline): Conflicting classifications of pathogenicity. Review status: criteria provided, conflicting classifications (1 of 4 stars). 2 submissions from 2 submitters: Uncertain significance (1); Likely benign (1). Last evaluated 2023-03-23.

Conditions:
Hereditary cancer-predisposing syndrome. Also called: Tumor predisposition; Hereditary neoplastic syndrome; Neoplastic Syndromes, Hereditary; Hereditary Cancer Syndrome. Identifiers: Orphanet 140162, MedGen C0027672, MeSH D009386, MONDO:0015356.
Hereditary breast ovarian cancer syndrome. Also called: Hereditary breast and ovarian cancer syndrome; Hereditary breast and/or ovarian cancer syndrome; Hereditary breast and ovarian cancer; Breast and ovarian cancer; Hereditary breast and ovarian cancer syndrome (HBOC); BRCA1- and BRCA2-Associated Hereditary Breast and Ovarian Cancer. Identifiers: Orphanet 145, MedGen C0677776, MeSH D061325, MONDO:0003582. Disease mechanism: loss of function.

Allele frequency attached by ClinVar (database versions not stated): gnomAD exomes below 0.00001 and 0.00001.
gnomAD v4.1: 2 of 1,614,106 alleles (0.00012%); highest among the groups gnomAD compares: South Asian, 0.0022%; no homozygotes.

Submissions (2):

University of Washington Department of Laboratory Medicine, University of Washington
Classification: Likely benign for Hereditary cancer-predisposing syndrome. Last evaluated: 2023-03-23. Review status: criteria provided, single submitter. Criteria: Dines et al. (Genet Med. 2020). Collection method: curation. Allele origin: germline.
Comment: Missense variant in a coldspot region where missense variants are very unlikely to be pathogenic (PMID:31911673).

BRCA1 coldspot (exon 11 using historical exon numbering). Reclassification based on statistical prior probability

Labcorp Genetics (formerly Invitae), Labcorp
Classification: Uncertain significance for Hereditary breast ovarian cancer syndrome. Last evaluated: 2021-07-11. Review status: criteria provided, single submitter. Criteria: Invitae Variant Classification Sherloc (09022015). Collection method: clinical testing. Allele origin: germline.
Comment: This sequence change replaces valine with isoleucine at codon 923 of the BRCA1 protein (p.Val923Ile). The valine residue is weakly conserved and there is a small physicochemical difference between valine and isoleucine. This variant is not present in population databases (ExAC no frequency). This variant has not been reported in the literature in individuals affected with BRCA1-related conditions. Advanced modeling of protein sequence and biophysical properties (such as structural, functional, and spatial information, amino acid conservation, physicochemical variation, residue mobility, and thermodynamic stability) performed at Invitae indicates that this missense variant is not expected to disrupt BRCA1 protein function. In summary, the available evidence is currently insufficient to determine the role of this variant in disease. Therefore, it has been classified as a Variant of Uncertain Significance.